The following is an entry in ClinVar:

ClinVar aggregate classification (germline): Uncertain significance (1 of 4 stars; one submission).

Allele frequency attached by ClinVar (database versions not stated): ExAC 0.00001; gnomAD exomes 0.00001; gnomAD 0.00002; TOPMed 0.00002; ESP Exome Variant Server 0.00008.
gnomAD v4.1: 16 of 1,612,380 alleles (0.00099%); highest among the groups gnomAD compares: African/African-American, 0.0027%; no homozygotes.

Submission:

Labcorp Genetics (formerly Invitae), Labcorp
Classification: Uncertain significance. Last evaluated: 2022-09-01. Review status: criteria provided, single submitter. Criteria: Invitae Variant Classification Sherloc (09022015). Collection method: clinical testing. Allele origin: germline.
Comment: This sequence change replaces threonine, which is neutral and polar, with methionine, which is neutral and non-polar, at codon 764 of the LAMC3 protein (p.Thr764Met). This variant is not present in population databases (gnomAD no frequency). This variant has not been reported in the literature in individuals affected with LAMC3-related conditions. Algorithms developed to predict the effect of missense changes on protein structure and function output the following: SIFT: "Tolerated"; PolyPhen-2: "Benign"; Align-GVGD: "Class C0". The methionine amino acid residue is found in multiple mammalian species, which suggests that this missense change does not adversely affect protein function. In summary, the available evidence is currently insufficient to determine the role of this variant in disease. Therefore, it has been classified as a Variant of Uncertain Significance.

NM_006059.4(LAMC3):c.2291C>T (p.Thr764Met)

Gene: LAMC3 (laminin subunit gamma 3; plus strand). Cytogenetic location: 9q34.12.
Variant type: single nucleotide variant.
Coding change: c.2291C>T on transcript NM_006059.4 (MANE Select); coding-DNA position 2291, C replaced by T.
Protein change: p.Thr764Met; replaces threonine 764 with methionine.
Molecular consequence: missense variant.
Genome position (GRCh38, 1-based): chr9:131,061,167, C>T. VCF-style: chr9-131061167-C-T. GRCh37 (hg19) VCF-style: chr9-133936554-C-T.
Other names: short protein forms T764M.
Identifiers: ClinVar variation 1942544 (VCV001942544.2), dbSNP rs138199679, ClinGen allele CA5287378.